The following is an entry in ClinVar:

ClinVar aggregate classification (germline): Conflicting classifications of pathogenicity. Review status: criteria provided, conflicting classifications (1 of 4 stars). 2 submissions from 2 submitters: Likely pathogenic (1); Uncertain significance (1). Last evaluated 2022-10-31.

Conditions:
Renal hypodysplasia/aplasia 3 (RHDA3). Identifiers: MedGen C4540497, MONDO:0024520, OMIM 617805.

Allele frequency attached by ClinVar (database versions not stated): gnomAD 0.00001; gnomAD exomes 0.00001; TOPMed 0.00002.
gnomAD v4.1: 10 of 1,551,604 alleles (0.00064%); highest among the groups gnomAD compares: Middle Eastern, 0.017%; no homozygotes.

Submissions (2):

Blueprint Genetics
Classification: Uncertain significance. Last evaluated: 2022-10-31. Review status: criteria provided, single submitter. Criteria: ACMG Guidelines, 2015. Collection method: clinical testing. Allele origin: germline.

Rady Children's Institute for Genomic Medicine, Rady Children's Hospital San Diego
Classification: Likely pathogenic for Renal hypodysplasia/aplasia 3. Last evaluated: 2018-09-07. Review status: criteria provided, single submitter. Criteria: ACMG Guidelines, 2015. Collection method: clinical testing. Allele origin: germline. Affected: yes. Observed: 1 variant allele.
Comment: This variant has not been previously reported or functionally characterized in the literature to our knowledge. It is absent from the ExAC and gnomAD population databases and thus is presumed to be rare. However, a missense alteration adjacent to amino acid 1065 (p.Arg1066Pro) has been previously reported in an individual with unilateral renal agenesis (PMID: 29100090). The c.3194C>T (p.Thr1065Ile) variant affects a highly conserved amino acid and is predicted by multiple in silico tools to have a deleterious effect on protein function. Based on the available evidence, the c.3194C>T (p.Thr1065Ile) variant is classified as likely pathogenic.

NM_001142966.3(GREB1L):c.3194C>T (p.Thr1065Ile)

Gene: GREB1L (GREB1 like retinoic acid receptor coactivator; plus strand). Cytogenetic location: 18q11.1.
Variant type: single nucleotide variant.
Coding change: c.3194C>T on transcript NM_001142966.3 (MANE Select); coding-DNA position 3194, C replaced by T.
Protein change: p.Thr1065Ile; replaces threonine 1065 with isoleucine.
Molecular consequence: missense variant.
Genome position (GRCh38, 1-based): chr18:21,496,501, C>T. VCF-style: chr18-21496501-C-T. GRCh37 (hg19) VCF-style: chr18-19076462-C-T.
Other names: short protein forms T1065I.
Identifiers: ClinVar variation 692049 (VCV000692049.2), dbSNP rs1480442865, ClinGen allele CA401748109.
Genomic context (GRCh38, chr18:21,496,501, plus strand): 5'-TACTTTTGTTCAGGTCTTTGAAGTACTGTGACCTCCGGTTAATTGACTCAAGCTATTTAA[C>T]TCGCACGGCCTTGGAGCAGGAGGTGGGTCTGGCATGCTGCTATGTCTCAAAAGAGGTCAT-3'
Protein context (NP_001136438.1, residues 1055-1075): DLRLIDSSYL[Thr1065Ile]RTALEQEVGL